The following is an entry in ClinVar:

NM_002609.4(PDGFRB):c.1285A>G (p.Ser429Gly)

Gene: PDGFRB (platelet derived growth factor receptor beta; minus strand). Cytogenetic location: 5q32.
Variant type: single nucleotide variant.
Coding change: c.1285A>G on transcript NM_002609.4 (MANE Select); coding-DNA position 1285, A replaced by G.
Protein change: p.Ser429Gly; replaces serine 429 with glycine.
Molecular consequence: missense variant.
Genome position (GRCh38, 1-based): chr5:150,130,621, T>C on the plus strand (A>G on the coding strand, the complement: PDGFRB is on the minus strand). VCF-style: chr5-150130621-T-C. GRCh37 (hg19) VCF-style: chr5-149510184-T-C.
Other names: c.1093A>G, p.Ser365Gly (NM_001355016.2); c.802A>G, p.Ser268Gly (NM_001355017.2); short protein forms S365G, S429G, S268G.
Identifiers: ClinVar variation 5008602 (VCV005008602.1).
Genomic context (GRCh38, chr5:150,130,621, plus strand): 5'-ACCAGATGATGTTCGGCTGGGGCATGCCCCGGCCACGACAGCGGACTGTCTGTTCCCCAC[T>C]GTCAGGGTGGCTCTCACTTAGCTCCAGCACTCGGACAGGGACTGCATGGAGAGAGCACTG-3'
Protein context (NP_002600.1, residues 419-439): VLELSESHPD[Ser429Gly]GEQTVRCRGR

ClinVar aggregate classification (germline): Uncertain significance (1 of 4 stars; one submission).

gnomAD v4.1: 2 of 1,612,706 alleles (0.00012%); highest among the groups gnomAD compares: Non-Finnish European, 0.00017%; no homozygotes.

Submission:

GeneDx
Classification: Uncertain significance. Last evaluated: 2026-03-06. Review status: criteria provided, single submitter. Criteria: GeneDx Variant Classification Process June 2021. Collection method: clinical testing. Allele origin: germline.
Comment: Not observed at significant frequency in large population cohorts (gnomAD); In silico analysis suggests that this missense variant does not alter protein structure/function; Has not been previously published as pathogenic or benign to our knowledge